The following is an entry in ClinVar:

ClinVar aggregate classification (germline): Likely benign. Review status: criteria provided, single submitter (1 of 4 stars). 2 submissions from 2 submitters: Likely benign (1). 1 of the submissions does not count toward it. Last evaluated 2023-01-28.

Conditions:
EFL1-related disorder. Also called: EFL1-related condition.

Allele frequency attached by ClinVar (database versions not stated): gnomAD exomes below 0.00001; TOPMed below 0.00001; gnomAD 0.00001; ExAC 0.00002.
gnomAD v4.1: 7 of 1,614,054 alleles (0.00043%); highest among the groups gnomAD compares: East Asian, 0.013%; no homozygotes.

Submissions (2):

Labcorp Genetics (formerly Invitae), Labcorp
Classification: Likely benign. Last evaluated: 2023-01-28. Review status: criteria provided, single submitter. Criteria: Invitae Variant Classification Sherloc (09022015). Collection method: clinical testing. Allele origin: germline.

PreventionGenetics, part of Exact Sciences
Classification: Likely benign for EFL1-related condition. Last evaluated: 2019-06-12. Review status: no assertion criteria provided. Collection method: clinical testing. Allele origin: germline. Not counted in ClinVar's aggregate classification.
Comment: This variant is classified as likely benign based on ACMG/AMP sequence variant interpretation guidelines (Richards et al. 2015 PMID: 25741868, with internal and published modifications).

NM_024580.6(EFL1):c.2733A>G (p.Ala911=)

Gene: EFL1 (elongation factor like GTPase 1; minus strand). Cytogenetic location: 15q25.2.
Variant type: single nucleotide variant.
Coding change: c.2733A>G on transcript NM_024580.6 (MANE Select); coding-DNA position 2733, A replaced by G.
Protein change: p.Ala911=; no amino-acid change (alanine 911 retained).
Molecular consequence: synonymous variant. On other transcripts: non-coding transcript variant (1).
Genome position (GRCh38, 1-based): chr15:82,151,721, T>C on the plus strand (A>G on the coding strand, the complement: EFL1 is on the minus strand). VCF-style: chr15-82151721-T-C. GRCh37 (hg19) VCF-style: chr15-82444062-T-C.
Other names: c.2733A>G (NM_024580.5); c.2580A>G, p.Ala860= (NM_001040610.3); c.1944A>G, p.Ala648= (NM_001322844.2); c.2733A>G, p.Ala911= (NM_001322845.2).
Identifiers: ClinVar variation 2824807 (VCV002824807.5), dbSNP rs755280310, ClinGen allele CA7697706.